The following is an entry in ClinVar:

ClinVar aggregate classification (germline): Pathogenic. Review status: criteria provided, multiple submitters, no conflicts (2 of 4 stars). 3 submissions from 3 submitters: Pathogenic (3). Last evaluated 2023-09-18.

Conditions:
Lynch syndrome 4 (LYNCH4). Also called: Hereditary non-polyposis colorectal cancer, type 4; Colorectal cancer, hereditary nonpolyposis, type 4. Identifiers: Orphanet 144, MedGen C1838333, MONDO:0013699, OMIM 614337. Disease mechanism: loss of function.
Hereditary cancer-predisposing syndrome. Also called: Neoplastic Syndromes, Hereditary; Hereditary Cancer Syndrome; Tumor predisposition; Hereditary neoplastic syndrome. Identifiers: Orphanet 140162, MedGen C0027672, MeSH D009386, MONDO:0015356.

Submissions (3):

Myriad Genetics, Inc.
Classification: Pathogenic for Lynch syndrome 4. Last evaluated: 2023-09-18. Review status: criteria provided, single submitter. Criteria: Myriad Autosomal Dominant, Autosomal Recessive and X-Linked Classification Criteria (2023). Collection method: clinical testing. Allele origin: unknown.
Comment: This variant is considered pathogenic. This variant creates a frameshift predicted to result in premature protein truncation.

Color Diagnostics, LLC DBA Color Health
Classification: Pathogenic for Hereditary cancer-predisposing syndrome. Last evaluated: 2020-06-11. Review status: criteria provided, single submitter. Criteria: ACMG Guidelines, 2015. Collection method: clinical testing. Allele origin: germline.
Comment: This variant deletes 1 nucleotide in exon 2 of the PMS2 gene, creating a frameshift and premature translation stop signal. This variant is expected to result in an absent or non-functional protein product. To our knowledge, this variant has not been reported in individuals affected with hereditary cancer in the literature. This variant has not been identified in the general population by the Genome Aggregation Database (gnomAD). Loss of PMS2 function is a known mechanism of disease. Based on the available evidence, this variant is classified as Pathogenic.

GeneDx
Classification: Pathogenic. Last evaluated: 2018-02-02. Review status: criteria provided, single submitter. Criteria: GeneDx Variant Classification (06012015). Collection method: clinical testing. Allele origin: germline. Affected: yes.
Comment: This deletion of one nucleotide in PMS2 is denoted c.33delT at the cDNA level and p.Ala12LeufsX22 (A12LfsX22) at the protein level. The normal sequence, with the base that is deleted in brackets, is AACC[delT]GCTA. The deletion causes a frameshift which changes an Alanine to a Leucine at codon 12, and creates a premature stop codon at position 22 of the new reading frame. Although this variant has not, to our knowledge, been reported in the literature, it is predicted to cause loss of normal protein function through either protein truncation or nonsense-mediated mRNA decay. We consider this variant to be pathogenic.

NM_000535.7(PMS2):c.33del (p.Ala12fs)

Gene: PMS2 (PMS1 homolog 2, mismatch repair system component; minus strand). Cytogenetic location: 7p22.1.
Variant type: Deletion.
Coding change: c.33del on transcript NM_000535.7 (MANE Select); coding-DNA position 33, one base deleted (T; older notation c.33delT).
Protein change: p.Ala12fs; shifts the reading frame from alanine 12.
Molecular consequence: frameshift variant. On other transcripts: 5 prime UTR variant (8), non-coding transcript variant (1), intron variant (3).
Genome position (GRCh38, 1-based): chr7:6,006,022, A deleted on the plus strand (T on the coding strand, the reverse complement: PMS2 is on the minus strand). VCF-style (leftmost placement, unchanged base first): chr7-6006021-CA-C. GRCh37 (hg19) VCF-style: chr7-6045652-CA-C.
Other names: c.-373del (NM_001322003.2, NM_001322005.2, NM_001322009.2 and 1 more transcripts); c.33del, p.Ala12fs (NM_001322006.2, NM_001322014.2); c.-183del (NM_001322007.2); c.-852del (NM_001322011.2, NM_001322012.2); c.-452del (NM_001322015.2); c.-52-1964del (NM_001322008.2); c.-242-1964del (NM_001322010.2, NM_001322004.2); short protein forms A12fs.
Identifiers: ClinVar variation 545869 (VCV000545869.6), dbSNP rs1554306605, ClinGen allele CA658822984.